The following is an entry in ClinVar:

NM_004341.5(CAD):c.1733T>C (p.Val578Ala)

Gene: CAD (carbamoyl-phosphate synthetase 2, aspartate transcarbamylase, and dihydroorotase; plus strand). Cytogenetic location: 2p23.3.
Variant type: single nucleotide variant.
Coding change: c.1733T>C on transcript NM_004341.5 (MANE Select); coding-DNA position 1733, T replaced by C.
Protein change: p.Val578Ala; replaces valine 578 with alanine.
Molecular consequence: missense variant.
Genome position (GRCh38, 1-based): chr2:27,225,817, T>C. VCF-style: chr2-27225817-T-C. GRCh37 (hg19) VCF-style: chr2-27448685-T-C.
Other names: c.1733T>C, p.Val578Ala (NM_001306079.2); short protein forms V578A.
Identifiers: ClinVar variation 1956985 (VCV001956985.5), dbSNP rs2465303355, ClinGen allele CA346206169.

ClinVar aggregate classification (germline): Uncertain significance (1 of 4 stars; one submission).

Allele frequency attached by ClinVar (database versions not stated): gnomAD exomes below 0.00001.
gnomAD v4.1: 1 of 1,614,200 alleles (0.000062%); highest among the groups gnomAD compares: Admixed American, 0.0017%; no homozygotes.

Submission:

Labcorp Genetics (formerly Invitae), Labcorp
Classification: Uncertain significance. Last evaluated: 2022-10-25. Review status: criteria provided, single submitter. Criteria: Invitae Variant Classification Sherloc (09022015). Collection method: clinical testing. Allele origin: germline.
Comment: This sequence change replaces valine, which is neutral and non-polar, with alanine, which is neutral and non-polar, at codon 578 of the CAD protein (p.Val578Ala). This variant is not present in population databases (gnomAD no frequency). This variant has not been reported in the literature in individuals affected with CAD-related conditions. Advanced modeling of protein sequence and biophysical properties (such as structural, functional, and spatial information, amino acid conservation, physicochemical variation, residue mobility, and thermodynamic stability) performed at Invitae indicates that this missense variant is not expected to disrupt CAD protein function. In summary, the available evidence is currently insufficient to determine the role of this variant in disease. Therefore, it has been classified as a Variant of Uncertain Significance.